The following is an entry in ClinVar:

ClinVar aggregate classification (germline): Likely benign (0 of 4 stars; one submission).

Conditions:
ARHGAP32-related disorder. Also called: ARHGAP32-related condition.

Allele frequency attached by ClinVar (database versions not stated): TOPMed 0.00002; gnomAD 0.00005; gnomAD exomes 0.00015; 1000 Genomes Project 30x 0.00016; 1000 Genomes Project 0.00020; ExAC 0.00030.
gnomAD v4.1: 224 of 1,595,138 alleles (0.014%); highest among the groups gnomAD compares: South Asian, 0.26%; 2 homozygotes.

Submission:

PreventionGenetics, part of Exact Sciences
Classification: Likely benign for ARHGAP32-related condition. Last evaluated: 2019-02-20. Review status: no assertion criteria provided. Collection method: clinical testing. Allele origin: germline.
Comment: This variant is classified as likely benign based on ACMG/AMP sequence variant interpretation guidelines (Richards et al. 2015 PMID: 25741868, with internal and published modifications).

NM_001378024.1(ARHGAP32):c.1098T>C (p.Ser366=)

Gene: ARHGAP32 (Rho GTPase activating protein 32; minus strand). Cytogenetic location: 11q24.3.
Variant type: single nucleotide variant.
Coding change: c.1098T>C on transcript NM_001378024.1 (MANE Select); coding-DNA position 1098, T replaced by C.
Protein change: p.Ser366=; no amino-acid change (serine 366 retained).
Molecular consequence: synonymous variant.
Genome position (GRCh38, 1-based): chr11:128,998,416, A>G on the plus strand (T>C on the coding strand, the complement: ARHGAP32 is on the minus strand). VCF-style: chr11-128998416-A-G. GRCh37 (hg19) VCF-style: chr11-128868311-A-G.
Other names: c.1056T>C, p.Ser352= (NM_001142685.2); c.936T>C, p.Ser312= (NM_001378025.1); c.9T>C, p.Ser3= (NM_014715.4).
Identifiers: ClinVar variation 3046261 (VCV003046261.2), dbSNP rs535110024, ClinGen allele CA6359262.
Genomic context (GRCh38, chr11:128,998,416, plus strand): 5'-ACAACCAAACACCCTCTCTTTCAAGATTCCCCGCTGCTTCAGCTTCTGTTTTGTTGGACG[A>G]GACTTCATGAATGTTCGTAAGAACGTAATGAGCTTGCCGTGCTTTTTAGACACTAAAAAT-3'
Protein context (NP_001364953.1, residues 356-376): LITFLRTFMK[Ser366=]RPTKQKLKQR